The following is an entry in ClinVar:

ClinVar aggregate classification (germline): Uncertain significance (1 of 4 stars; one submission).

Conditions:
Welander distal myopathy (WDM). Also called: Gower's muscular dystrophy; Welander distal myopathy, Swedish type; Distal myopathy, Swedish type; MUSCULAR DYSTROPHY, DISTAL, LATE-ONSET, AUTOSOMAL DOMINANT. Identifiers: Orphanet 603, MedGen C0221054, MONDO:0011466, OMIM 604454.

gnomAD v4.1: 1 of 1,611,346 alleles (0.000062%); highest among the groups gnomAD compares: Non-Finnish European, 0.000085%; no homozygotes.

Submission:

Labcorp Genetics (formerly Invitae), Labcorp
Classification: Uncertain significance for Welander distal myopathy. Last evaluated: 2025-08-29. Review status: criteria provided, single submitter. Criteria: Invitae Variant Classification Sherloc (09022015). Collection method: clinical testing. Allele origin: germline.
Comment: This sequence change replaces glycine, which is neutral and non-polar, with valine, which is neutral and non-polar, at codon 343 of the TIA1 protein (p.Gly343Val). This variant is not present in population databases (gnomAD no frequency). This variant has not been reported in the literature in individuals affected with TIA1-related conditions. An algorithm developed to predict the effect of missense changes on protein structure and function (PolyPhen-2) suggests that this variant is likely to be disruptive. In summary, the available evidence is currently insufficient to determine the role of this variant in disease. Therefore, it has been classified as a Variant of Uncertain Significance.

NM_022173.4(TIA1):c.1028G>T (p.Gly343Val)

Gene: TIA1 (TIA1 cytotoxic granule associated RNA binding protein; minus strand). Cytogenetic location: 2p13.3.
Variant type: single nucleotide variant.
Coding change: c.1028G>T on transcript NM_022173.4 (MANE Select); coding-DNA position 1028, G replaced by T.
Protein change: p.Gly343Val; replaces glycine 343 with valine.
Molecular consequence: missense variant. On other transcripts: non-coding transcript variant (17).
Genome position (GRCh38, 1-based): chr2:70,214,355, C>A on the plus strand (G>T on the coding strand, the complement: TIA1 is on the minus strand). VCF-style: chr2-70214355-C-A. GRCh37 (hg19) VCF-style: chr2-70441487-C-A.
Other names: c.1025G>T, p.Gly342Val (NM_001351508.2); c.1001G>T, p.Gly334Val (NM_001351509.2); c.992G>T, p.Gly331Val (NM_001351510.2); c.917G>T, p.Gly306Val (NM_001351511.1); c.890G>T, p.Gly297Val (NM_001351512.1); c.884G>T, p.Gly295Val (NM_001351513.1); c.800G>T, p.Gly267Val (NM_001351514.2); c.725G>T, p.Gly242Val (NM_001351515.2); and 3 more; short protein forms G203V, G297V, G306V, G331V, G202V, G332V, G334V, G343V.
Identifiers: ClinVar variation 4750000 (VCV004750000.1).